The following is an entry in ClinVar:

ClinVar aggregate classification (germline): Conflicting classifications of pathogenicity. Review status: criteria provided, conflicting classifications (1 of 4 stars). 2 submissions from 2 submitters: Uncertain significance (1); Likely benign (1). Last evaluated 2026-08-01.

Conditions:
Paget disease of bone 3. Identifiers: MedGen C4085252, MONDO:0008176, OMIM 167250.

Allele frequency attached by ClinVar (database versions not stated): gnomAD 0.00041; ExAC 0.00052; TOPMed 0.00059; ESP Exome Variant Server 0.00077.
gnomAD v4.1: 1,217 of 1,606,654 alleles (0.076%); highest among the groups gnomAD compares: Non-Finnish European, 0.096%; no homozygotes.

Submissions (2):

CeGaT Center for Human Genetics Tuebingen
Classification: Likely benign. Last evaluated: 2026-08-01. Review status: criteria provided, single submitter. Criteria: CeGaT Center For Human Genetics Tuebingen Variant Classification Criteria Version 2. Collection method: clinical testing. Allele origin: germline. Affected: yes. Observed: 8 variant alleles.
Comment: MRNIP: BP4, BP7

Illumina Laboratory Services, Illumina
Classification: Uncertain significance for Paget disease of bone 3. Last evaluated: 2018-01-12. Review status: criteria provided, single submitter. Criteria: ICSL Variant Classification Criteria 13 December 2019. Collection method: clinical testing. Allele origin: germline.

NM_016175.4(MRNIP):c.993C>T (p.Asp331=)

Genes: SQSTM1 (sequestosome 1; plus strand), MRNIP (MRN complex interacting protein; minus strand). Cytogenetic location: 5q35.3.
Variant type: single nucleotide variant.
Coding change: c.993C>T on transcript NM_016175.4 (MANE Select); coding-DNA position 993, C replaced by T.
Protein change: p.Asp331=; no amino-acid change (aspartic acid 331 retained).
Molecular consequence: synonymous variant. On other transcripts: 3 prime UTR variant (3).
Genome position (GRCh38, 1-based): chr5:179,837,430, G>A on the plus strand (C>T on the coding strand, the complement: MRNIP is on the minus strand). VCF-style: chr5-179837430-G-A. GRCh37 (hg19) VCF-style: chr5-179264430-G-A.
Other names: c.828C>T, p.Asp276= (NM_001017987.3); c.*837G>A (NM_001142298.2, NM_001142299.2, NM_003900.5).
Identifiers: ClinVar variation 353178 (VCV000353178.30), dbSNP rs148611524, ClinGen allele CA3600987.
Genomic context (GRCh38, chr5:179,837,430, plus strand): 5'-TAATAACCTGCCAGTCCCAGATCACACATCATCATCGAAGTCTTCCCCAGTTATAAAGAG[G>A]TCACATAGTCGTGTGGGTCGAGGATTCTGTGCCTCCAGGACCAGGGGCCCACCCTCTGCC-3'
Protein context (NP_057259.2, residues 321-341): AQNPRPTRLC[Asp331=]LFITGEDFDD